The following is an entry in ClinVar:

ClinVar aggregate classification (germline): Uncertain significance (1 of 4 stars; one submission).

Conditions:
Neuronal ceroid lipofuscinosis. Also called: Neuronal Ceroid Lipofuscinoses. Identifiers: Orphanet 216, Orphanet 79263, MedGen C0027877, MONDO:0016295. Disease mechanism: loss of function.

Allele frequency attached by ClinVar (database versions not stated): gnomAD 0.00001; gnomAD exomes below 0.00001; TOPMed below 0.00001.
gnomAD v4.1: 2 of 1,614,002 alleles (0.00012%); highest among the groups gnomAD compares: Non-Finnish European, 0.00017%; no homozygotes.

Submission:

Labcorp Genetics (formerly Invitae), Labcorp
Classification: Uncertain significance for Neuronal ceroid lipofuscinosis. Last evaluated: 2021-11-01. Review status: criteria provided, single submitter. Criteria: Invitae Variant Classification Sherloc (09022015). Collection method: clinical testing. Allele origin: germline.
Comment: This sequence change replaces tyrosine, which is neutral and polar, with histidine, which is basic and polar, at codon 311 of the CLN5 protein (p.Tyr311His). This variant is not present in population databases (gnomAD no frequency). This variant has not been reported in the literature in individuals affected with CLN5-related conditions. ClinVar contains an entry for this variant (Variation ID: 1001721). Algorithms developed to predict the effect of missense changes on protein structure and function (SIFT, PolyPhen-2, Align-GVGD) all suggest that this variant is likely to be disruptive. In summary, the available evidence is currently insufficient to determine the role of this variant in disease. Therefore, it has been classified as a Variant of Uncertain Significance.

NM_006493.4(CLN5):c.784T>C (p.Tyr262His)

Gene: CLN5 (CLN5 lysosomal BMP synthase; plus strand). Cytogenetic location: 13q22.3.
Variant type: single nucleotide variant.
Coding change: c.784T>C on transcript NM_006493.4 (MANE Select); coding-DNA position 784, T replaced by C.
Protein change: p.Tyr262His; replaces tyrosine 262 with histidine.
Molecular consequence: missense variant. On other transcripts: 3 prime UTR variant (1).
Genome position (GRCh38, 1-based): chr13:77,000,676, T>C. VCF-style: chr13-77000676-T-C. GRCh37 (hg19) VCF-style: chr13-77574811-T-C.
Other names: c.*233T>C (NM_001366624.2); short protein forms Y262H.
Identifiers: ClinVar variation 1001721 (VCV001001721.6), dbSNP rs1262072010, ClinGen allele CA388313181.